The following is an entry in ClinVar:

NM_015335.5(MED13L):c.1973C>T (p.Ala658Val)

Gene: MED13L (mediator complex subunit 13L; minus strand). Cytogenetic location: 12q24.21.
Variant type: single nucleotide variant.
Coding change: c.1973C>T on transcript NM_015335.5 (MANE Select); coding-DNA position 1973, C replaced by T.
Protein change: p.Ala658Val; replaces alanine 658 with valine.
Molecular consequence: missense variant.
Genome position (GRCh38, 1-based): chr12:116,008,440, G>A on the plus strand (C>T on the coding strand, the complement: MED13L is on the minus strand). VCF-style: chr12-116008440-G-A. GRCh37 (hg19) VCF-style: chr12-116446245-G-A.
Other names: short protein forms A658V.
Identifiers: ClinVar variation 2751222 (VCV002751222.3), dbSNP rs1370758314, ClinGen allele CA386895158.
Genomic context (GRCh38, chr12:116,008,440, plus strand): 5'-TGGTGCAGAGAGCTGTCTTACCTTTGCAATGCAGTGCTCTCTGAGTTTACCTCCATTTTG[G>A]CATCACATCTCTCACCCTGGAGCTCTGGAGGCCTGAACTCAGCATCATCACTGGGTGGGA-3'
Protein context (NP_056150.1, residues 648-668): PPELQGERCD[Ala658Val]KMEVNSESTA

ClinVar aggregate classification (germline): Uncertain significance (1 of 4 stars; one submission).

Conditions:
Dextro-looped transposition of the great arteries. Also called: Dextrotransposition of the great arteries. Identifiers: Orphanet 860, MedGen C3531771, MONDO:0019443, OMIM 608808, HP:0031348.

Allele frequency attached by ClinVar (database versions not stated): gnomAD exomes below 0.00001.
gnomAD v4.1: 1 of 1,612,434 alleles (0.000062%); highest among the groups gnomAD compares: South Asian, 0.0011%; no homozygotes.

Submission:

Labcorp Genetics (formerly Invitae), Labcorp
Classification: Uncertain significance for Dextro-looped transposition of the great arteries. Last evaluated: 2023-08-08. Review status: criteria provided, single submitter. Criteria: Invitae Variant Classification Sherloc (09022015). Collection method: clinical testing. Allele origin: germline.
Comment: In summary, the available evidence is currently insufficient to determine the role of this variant in disease. Therefore, it has been classified as a Variant of Uncertain Significance. Advanced modeling of protein sequence and biophysical properties (such as structural, functional, and spatial information, amino acid conservation, physicochemical variation, residue mobility, and thermodynamic stability) performed at Invitae indicates that this missense variant is not expected to disrupt MED13L protein function. This variant has not been reported in the literature in individuals affected with MED13L-related conditions. This variant is present in population databases (no rsID available, gnomAD 0.003%). This sequence change replaces alanine, which is neutral and non-polar, with valine, which is neutral and non-polar, at codon 658 of the MED13L protein (p.Ala658Val).